The following is an entry in ClinVar:

NM_004408.4(DNM1):c.1524G>A (p.Lys508=)

Gene: DNM1 (dynamin 1; plus strand). Cytogenetic location: 9q34.11.
Variant type: single nucleotide variant.
Coding change: c.1524G>A on transcript NM_004408.4 (MANE Select); coding-DNA position 1524, G replaced by A.
Protein change: p.Lys508=; no amino-acid change (lysine 508 retained).
Molecular consequence: synonymous variant.
Genome position (GRCh38, 1-based): chr9:128,239,758, G>A. VCF-style: chr9-128239758-G-A. GRCh37 (hg19) VCF-style: chr9-131002037-G-A.
Other names: c.1524G>A, p.Lys508= (NM_001005336.3, NM_001288737.2, NM_001288738.2 and 1 more transcripts).
Identifiers: ClinVar variation 388389 (VCV000388389.9), dbSNP rs1057523085, ClinGen allele CA16606228.

ClinVar aggregate classification (germline): Likely benign. Review status: criteria provided, multiple submitters, no conflicts (2 of 4 stars). 2 submissions from 2 submitters: Likely benign (2). Last evaluated 2022-02-03.

Conditions:
Developmental and epileptic encephalopathy, 31A. Also called: Epileptic encephalopathy, early infantile, 31; Developmental and epileptic encephalopathy, 31. Identifiers: Orphanet 2382, MedGen C4225357, MONDO:0014598, OMIM 616346.

Allele frequency attached by ClinVar (database versions not stated): gnomAD 0.00001.
gnomAD v4.1: 1 of 1,613,776 alleles (0.000062%); highest among the groups gnomAD compares: Non-Finnish European, 0.000085%; no homozygotes.

Submissions (2):

Labcorp Genetics (formerly Invitae), Labcorp
Classification: Likely benign for Developmental and epileptic encephalopathy, 31A. Last evaluated: 2022-02-03. Review status: criteria provided, single submitter. Criteria: Invitae Variant Classification Sherloc (09022015). Collection method: clinical testing. Allele origin: germline.

GeneDx
Classification: Likely benign. Last evaluated: 2016-08-10. Review status: criteria provided, single submitter. Criteria: GeneDx Variant Classification (06012015). Collection method: clinical testing. Allele origin: germline. Affected: yes.
Comment: This variant is considered likely benign or benign based on one or more of the following criteria: it is a conservative change, it occurs at a poorly conserved position in the protein, it is predicted to be benign by multiple in silico algorithms, and/or has population frequency not consistent with disease.